The following is an entry in ClinVar:

ClinVar aggregate classification (germline): Uncertain significance (1 of 4 stars; one submission).

gnomAD v4.1: 38 of 1,613,938 alleles (0.0024%); highest among the groups gnomAD compares: Non-Finnish European, 0.003%; no homozygotes.

Submission:

Mayo Clinic Laboratories, Mayo Clinic
Classification: Uncertain significance. Last evaluated: 2023-10-19. Review status: criteria provided, single submitter. Criteria: ACMG Guidelines, 2015. Collection method: clinical testing. Allele origin: germline. Observed: 1 variant allele.
Comment: BP4

NM_032564.5(DGAT2):c.1139C>T (p.Pro380Leu)

Gene: DGAT2 (diacylglycerol O-acyltransferase 2; plus strand). Cytogenetic location: 11q13.5.
Variant type: single nucleotide variant.
Coding change: c.1139C>T on transcript NM_032564.5 (MANE Select); coding-DNA position 1139, C replaced by T.
Protein change: p.Pro380Leu; replaces proline 380 with leucine.
Molecular consequence: missense variant.
Genome position (GRCh38, 1-based): chr11:75,800,480, C>T. VCF-style: chr11-75800480-C-T. GRCh37 (hg19) VCF-style: chr11-75511525-C-T.
Other names: p.Pro380Leu; c.1010C>T, p.Pro337Leu (NM_001253891.2); short protein forms P337L, P380L.
Identifiers: ClinVar variation 3380038 (VCV003380038.1).